The following is an entry in ClinVar:

ClinVar aggregate classification (germline): Uncertain significance. Review status: criteria provided, multiple submitters, no conflicts (2 of 4 stars). 3 submissions from 3 submitters: Uncertain significance (3). Last evaluated 2026-03-03.

Conditions:
Inborn genetic diseases. Identifiers: MedGen C0950123, MeSH D030342.
WNK1-related disorder. Also called: WNK1-related condition.
Neuropathy, hereditary sensory and autonomic, type 2A (HSAN2A). Also called: WNK1-Related HSAN2 (HSAN2A); MORVAN DISEASE; NEUROPATHY, CONGENITAL SENSORY; NEUROPATHY, HEREDITARY SENSORY RADICULAR, AUTOSOMAL RECESSIVE; NEUROPATHY, HEREDITARY SENSORY, TYPE IIA; NEUROPATHY, PROGRESSIVE SENSORY, OF CHILDREN. Identifiers: Orphanet 970, MedGen C2752089, MONDO:0024309, OMIM 201300.
Pseudohypoaldosteronism type 2C (PHA2C). Also called: Pseudohypoaldosteronism Type IIC. Identifiers: Orphanet 757, Orphanet 88940, MedGen C1840391, MONDO:0013778, OMIM 614492.

Allele frequency attached by ClinVar (database versions not stated): gnomAD exomes below 0.00001; TOPMed 0.00003; gnomAD 0.00010.
gnomAD v4.1: 11 of 1,486,474 alleles (0.00074%); highest among the groups gnomAD compares: African/African-American, 0.016%; no homozygotes.

Submissions (3):

PreventionGenetics, part of Exact Sciences
Classification: Uncertain significance for WNK1-related condition. Last evaluated: 2026-03-03. Review status: criteria provided, single submitter. Criteria: ACMG Guidelines, 2015. Collection method: clinical testing. Allele origin: germline.
Comment: The WNK1 c.2215G>A variant is predicted to result in the amino acid substitution p.Val739Met. To our knowledge, this variant has not been reported in the literature. This variant is reported in 0.034% of alleles in individuals of African descent in gnomAD. At this time, the clinical significance of this variant is uncertain due to the absence of conclusive functional and genetic evidence.

Labcorp Genetics (formerly Invitae), Labcorp
Classification: Uncertain significance for Neuropathy, hereditary sensory and autonomic, type 2A; Pseudohypoaldosteronism type 2C. Last evaluated: 2025-03-30. Review status: criteria provided, single submitter. Criteria: Invitae Variant Classification Sherloc (09022015). Collection method: clinical testing. Allele origin: germline.
Comment: This sequence change replaces valine, which is neutral and non-polar, with methionine, which is neutral and non-polar, at codon 739 of the WNK1 protein (p.Val739Met). This variant is present in population databases (rs72649843, gnomAD 0.03%). This variant has not been reported in the literature in individuals affected with WNK1-related conditions. ClinVar contains an entry for this variant (Variation ID: 1787828). Invitae Evidence Modeling of protein sequence and biophysical properties (such as structural, functional, and spatial information, amino acid conservation, physicochemical variation, residue mobility, and thermodynamic stability) indicates that this missense variant is not expected to disrupt WNK1 protein function with a negative predictive value of 95%. In summary, the available evidence is currently insufficient to determine the role of this variant in disease. Therefore, it has been classified as a Variant of Uncertain Significance.

Ambry Genetics
Classification: Uncertain significance for Inborn genetic diseases. Last evaluated: 2022-04-08. Review status: criteria provided, single submitter. Criteria: Ambry Variant Classification Scheme 2023. Collection method: clinical testing. Allele origin: germline.
Comment: The p.V739M variant (also known as c.2215G>A), located in coding exon 9 of the WNK1 gene, results from a G to A substitution at nucleotide position 2215. The valine at codon 739 is replaced by methionine, an amino acid with highly similar properties. This amino acid position is not well conserved in available vertebrate species. In addition, the in silico prediction for this alteration is inconclusive. Since supporting evidence is limited at this time, the clinical significance of this alteration remains unclear.

NM_213655.5(WNK1):c.2215G>A (p.Val739Met)

Gene: WNK1 (WNK lysine deficient protein kinase 1; plus strand). Cytogenetic location: 12p13.33.
Variant type: single nucleotide variant.
Coding change: c.2215G>A on transcript NM_213655.5 (MANE Plus Clinical); coding-DNA position 2215, G replaced by A.
Protein change: p.Val739Met; replaces valine 739 with methionine.
Molecular consequence: missense variant. On other transcripts: intron variant (3).
Genome position (GRCh38, 1-based): chr12:865,185, G>A. VCF-style: chr12-865185-G-A. GRCh37 (hg19) VCF-style: chr12-974351-G-A.
Other names: c.2140-2681G>A (NM_001184985.2); c.2139+2915G>A (NM_018979.4, NM_014823.3); short protein forms V739M.
Identifiers: ClinVar variation 1787828 (VCV001787828.8), dbSNP rs72649843, ClinGen allele CA231495557.